The following is an entry in ClinVar:

NM_000277.3(PAH):c.811C>T (p.His271Tyr)

Gene: PAH (phenylalanine hydroxylase; minus strand). Cytogenetic location: 12q23.2.
Variant type: single nucleotide variant.
Coding change: c.811C>T on transcript NM_000277.3 (MANE Select); coding-DNA position 811, C replaced by T.
Protein change: p.His271Tyr; replaces histidine 271 with tyrosine.
Molecular consequence: missense variant.
Genome position (GRCh38, 1-based): chr12:102,852,846, G>A on the plus strand (C>T on the coding strand, the complement: PAH is on the minus strand). VCF-style: chr12-102852846-G-A. GRCh37 (hg19) VCF-style: chr12-103246624-G-A.
Other names: NM_000277.2(PAH):c.811C>T; c.811C>T, p.His271Tyr (NM_001354304.2); short protein forms H271Y.
Identifiers: ClinVar variation 102849 (VCV000102849.14), dbSNP rs62517164, ClinGen allele CA229784.

ClinVar aggregate classification (germline): Uncertain significance. Review status: reviewed by expert panel (3 of 4 stars). 6 submissions from 6 submitters: Uncertain significance (1). 5 of the submissions do not count toward it. Last evaluated 2018-12-10.

Conditions:
Phenylketonuria (PKU). Also called: Phenylketonuria (PKU); FOLLING DISEASE; OLIGOPHRENIA PHENYLPYRUVICA; Phenylketonurias. Identifiers: Orphanet 716, MedGen C0031485, MONDO:0009861, OMIM 261600. Disease mechanism: loss of function.

Allele frequency attached by ClinVar (database versions not stated): gnomAD exomes below 0.00001; TOPMed below 0.00001; ExAC 0.00001; gnomAD 0.00001; ESP Exome Variant Server 0.00008.
gnomAD v4.1: 10 of 1,613,986 alleles (0.00062%); highest among the groups gnomAD compares: Non-Finnish European, 0.00059%; no homozygotes.

Submissions (6):

ClinGen PAH Variant Curation Expert Panel
Classification: Uncertain significance for Phenylketonuria. Last evaluated: 2018-12-10. Review status: reviewed by expert panel. Criteria: ClinGen PAH ACMG Specifications v1. Collection method: curation. Allele origin: germline. Inheritance: Autosomal recessive inheritance.
Comment: The c.811C>T (p.His271Tyr) variant in PAH has been reported in 2 unrelated PKU patients. BH4 deficiencies not assessed. (PMID: 9012412) A deleterious effect is predicted in SIFT, Polyphen2, MutationTaster, and REVEL=0.978. This variant has an extremely low frequency in ExAC, 1000G, ESP, and gnomAD (MAF=0.00001). . In summary, this variant meets criteria to be classified as uncertain significance for PAH. PAH-specific ACMG/AMP criteria applied: PM2, PP3, PP4.

Labcorp Genetics (formerly Invitae), Labcorp
Classification: Likely pathogenic for Phenylketonuria. Last evaluated: 2023-09-15. Review status: criteria provided, single submitter. Criteria: Invitae Variant Classification Sherloc (09022015). Collection method: clinical testing. Allele origin: germline. Not counted in ClinVar's aggregate classification.
Comment: ClinVar contains an entry for this variant (Variation ID: 102849). This missense change has been observed in individual(s) with phenylketonuria (PMID: 9012412). This variant is not present in population databases (gnomAD no frequency). This sequence change replaces histidine, which is basic and polar, with tyrosine, which is neutral and polar, at codon 271 of the PAH protein (p.His271Tyr). Advanced modeling of protein sequence and biophysical properties (such as structural, functional, and spatial information, amino acid conservation, physicochemical variation, residue mobility, and thermodynamic stability) performed at Invitae indicates that this missense variant is expected to disrupt PAH protein function. In summary, the currently available evidence indicates that the variant is pathogenic, but additional data are needed to prove that conclusively. Therefore, this variant has been classified as Likely Pathogenic. This variant disrupts the p.His271 amino acid residue in PAH. Other variant(s) that disrupt this residue have been determined to be pathogenic (PMID: 18299955). This suggests that this residue is clinically significant, and that variants that disrupt this residue are likely to be disease-causing.

Centre of Medical Genetics, University Hospital Muenster
Classification: Uncertain significance. Last evaluated: 2021-12-08. Review status: criteria provided, single submitter. Criteria: ACMG Guidelines, 2015. Collection method: clinical testing. Allele origin: unknown. Affected: yes. Observed: 1 variant allele, 1 heterozygote. Not counted in ClinVar's aggregate classification.
Comment: ACMG categories: PM1,PM2,PP3,BP1

GeneDx
Classification: Uncertain significance. Last evaluated: 2020-01-10. Review status: criteria provided, single submitter. Criteria: GeneDx Variant Classification Process June 2021. Collection method: clinical testing. Allele origin: germline. Affected: yes. Not counted in ClinVar's aggregate classification.
Comment: Not observed at a significant frequency in large population cohorts (Lek et al., 2016); In silico analysis, which includes protein predictors and evolutionary conservation, supports a deleterious effect; Identified in two unrelated individuals with PKU, however a second variant not described in either patient (Tyfield et al., 1997); This variant is associated with the following publications: (PMID: 9012412, 25087612)

Natera, Inc.
Classification: Uncertain significance for Phenylketonuria. Last evaluated: 2020-10-16. Review status: no assertion criteria provided. Collection method: clinical testing. Allele origin: germline. Not counted in ClinVar's aggregate classification.

DeBelle Laboratory for Biochemical Genetics, MUHC/MCH RESEARCH INSTITUTE
No classification provided. Review status: no classification provided. Collection method: not provided. Allele origin: not provided. Not counted in ClinVar's aggregate classification.

Literature cited by the submitters: PubMed 9012412 (cited by ClinGen PAH Variant Curation Expert Panel and Labcorp Genetics (formerly Invitae), Labcorp); PubMed 18299955 (cited by Labcorp Genetics (formerly Invitae), Labcorp).